The following is an entry in ClinVar:

NM_138701.4(MPLKIP):c.227G>T (p.Gly76Val)

Gene: MPLKIP (M-phase specific PLK1 interacting protein; minus strand). Cytogenetic location: 7p14.1.
Variant type: single nucleotide variant.
Coding change: c.227G>T on transcript NM_138701.4 (MANE Select); coding-DNA position 227, G replaced by T.
Protein change: p.Gly76Val; replaces glycine 76 with valine.
Molecular consequence: missense variant.
Genome position (GRCh38, 1-based): chr7:40,134,341, C>A on the plus strand (G>T on the coding strand, the complement: MPLKIP is on the minus strand). VCF-style: chr7-40134341-C-A. GRCh37 (hg19) VCF-style: chr7-40173940-C-A.
Other names: short protein forms G76V.
Identifiers: ClinVar variation 1964738 (VCV001964738.5), dbSNP rs2484141135, ClinGen allele CA367308152.
Genomic context (GRCh38, chr7:40,134,341, plus strand): 5'-CCCGCGGGGGACCTGGAGTAGGAGCCAGGGTAGCCGCCAGGGGACGGAGACCCGAACCGG[C>A]CCCCCGGGAAGCTGCCGCCGTGTCGCGGAGAGTGACTGCTCCCGTACGGCCTAGACCGGG-3'
Protein context (NP_619646.1, residues 66-86): SPRHGGSFPG[Gly76Val]RFGSPSPGGY

ClinVar aggregate classification (germline): Uncertain significance (1 of 4 stars; one submission).

Allele frequency attached by ClinVar (database versions not stated): gnomAD exomes below 0.00001.
gnomAD v4.1: 1 of 1,552,674 alleles (0.000064%); highest among the groups gnomAD compares: Non-Finnish European, 0.000087%; no homozygotes.

Submission:

Labcorp Genetics (formerly Invitae), Labcorp
Classification: Uncertain significance. Last evaluated: 2021-12-27. Review status: criteria provided, single submitter. Criteria: Invitae Variant Classification Sherloc (09022015). Collection method: clinical testing. Allele origin: germline.
Comment: In summary, the available evidence is currently insufficient to determine the role of this variant in disease. Therefore, it has been classified as a Variant of Uncertain Significance. Algorithms developed to predict the effect of missense changes on protein structure and function are either unavailable or do not agree on the potential impact of this missense change (SIFT: "Tolerated"; PolyPhen-2: "Probably Damaging"; Align-GVGD: "Class C0"). This variant has not been reported in the literature in individuals affected with MPLKIP-related conditions. This variant is not present in population databases (gnomAD no frequency). This sequence change replaces glycine, which is neutral and non-polar, with valine, which is neutral and non-polar, at codon 76 of the MPLKIP protein (p.Gly76Val).